The following is an entry in ClinVar:

ClinVar aggregate classification (germline): Pathogenic (1 of 4 stars; one submission).

Conditions:
Neuromuscular disease caused by qualitative or quantitative defects of dysferlin. Also called: Qualitative or quantitative defects of dysferlin; Dysferlinopathy. Identifiers: Orphanet 207073, MedGen C2931687, MONDO:0016145.

Submission:

Labcorp Genetics (formerly Invitae), Labcorp
Classification: Pathogenic for Neuromuscular disease caused by qualitative or quantitative defects of dysferlin. Last evaluated: 2022-10-28. Review status: criteria provided, single submitter. Criteria: Invitae Variant Classification Sherloc (09022015). Collection method: clinical testing. Allele origin: germline.
Comment: For these reasons, this variant has been classified as Pathogenic. Algorithms developed to predict the effect of sequence changes on RNA splicing suggest that this variant may disrupt the consensus splice site. ClinVar contains an entry for this variant (Variation ID: 1068079). Disruption of this splice site has been observed in individual(s) with limb-girdle muscular dystrophy (PMID: 33610434). This variant is not present in population databases (gnomAD no frequency). This sequence change affects a donor splice site in intron 4 of the DYSF gene. It is expected to disrupt RNA splicing. Variants that disrupt the donor or acceptor splice site typically lead to a loss of protein function (PMID: 16199547), and loss-of-function variants in DYSF are known to be pathogenic (PMID: 17698709, 20301480).

Literature cited by the submitters: PubMed 33610434; PubMed 16199547; PubMed 17698709; PubMed 20301480.

NM_001130987.2(DYSF):c.345+2T>C

Gene: DYSF (dysferlin; plus strand). Cytogenetic location: 2p13.2.
Variant type: single nucleotide variant.
Coding change: c.345+2T>C on transcript NM_001130987.2 (MANE Select); the canonical splice donor site of the intron after coding-DNA position 345, T replaced by C.
Molecular consequence: splice donor variant.
Genome position (GRCh38, 1-based): chr2:71,503,321, T>C. VCF-style: chr2-71503321-T-C. GRCh37 (hg19) VCF-style: chr2-71730451-T-C.
Other names: c.345+2T>C (NM_001130985.2, NM_001130983.2, NM_001130455.2 and 3 more transcripts); c.342+2T>C (NM_001130979.2, NM_001130981.2, NM_001130980.2 and 4 more transcripts).
Identifiers: ClinVar variation 1068079 (VCV001068079.7), dbSNP rs2152715847, ClinGen allele CA347204691.